The following is an entry in ClinVar:

NM_001378477.3(NYX):c.82G>A (p.Ala28Thr)

Gene: NYX (nyctalopin; plus strand). Cytogenetic location: Xp11.4.
Variant type: single nucleotide variant.
Coding change: c.82G>A on transcript NM_001378477.3 (MANE Select); coding-DNA position 82, G replaced by A.
Protein change: p.Ala28Thr; replaces alanine 28 with threonine.
Molecular consequence: missense variant.
Genome position (GRCh38, 1-based): chrX:41,473,550, G>A. VCF-style: chrX-41473550-G-A. GRCh37 (hg19) VCF-style: chrX-41332803-G-A.
Other names: c.97G>A (NM_022567.2); c.82G>A, p.Ala28Thr (NM_022567.3); short protein forms A28T.
Identifiers: ClinVar variation 1371441 (VCV001371441.7), dbSNP rs1224665975, ClinGen allele CA412989362.

ClinVar aggregate classification (germline): Uncertain significance. Review status: criteria provided, multiple submitters, no conflicts (2 of 4 stars). 2 submissions from 2 submitters: Uncertain significance (2). Last evaluated 2025-12-17.

Conditions:
Inborn genetic diseases. Identifiers: MedGen C0950123, MeSH D030342.

Allele frequency attached by ClinVar (database versions not stated): gnomAD 0.00002; gnomAD exomes 0.00003; TOPMed 0.00003; 1000 Genomes Project 30x 0.00021.
gnomAD v4.1: 26 of 1,005,581 alleles (0.0026%); highest among the groups gnomAD compares: East Asian, 0.068%; no homozygotes.

Submissions (2):

Labcorp Genetics (formerly Invitae), Labcorp
Classification: Uncertain significance. Last evaluated: 2025-12-17. Review status: criteria provided, single submitter. Criteria: Invitae Variant Classification Sherloc (09022015). Collection method: clinical testing. Allele origin: germline.
Comment: This sequence change replaces alanine, which is neutral and non-polar, with threonine, which is neutral and polar, at codon 33 of the NYX protein (p.Ala33Thr). The frequency data for this variant in the population databases is considered unreliable, as metrics indicate poor data quality at this position in the gnomAD database. This variant has not been reported in the literature in individuals affected with NYX-related conditions. ClinVar contains an entry for this variant (Variation ID: 1371441). Invitae Evidence Modeling of protein sequence and biophysical properties (such as structural, functional, and spatial information, amino acid conservation, physicochemical variation, residue mobility, and thermodynamic stability) indicates that this missense variant is not expected to disrupt NYX protein function with a negative predictive value of 80%. In summary, the available evidence is currently insufficient to determine the role of this variant in disease. Therefore, it has been classified as a Variant of Uncertain Significance.

Ambry Genetics
Classification: Uncertain significance for Inborn genetic diseases. Last evaluated: 2025-02-13. Review status: criteria provided, single submitter. Criteria: Ambry Variant Classification Scheme 2023. Collection method: clinical testing. Allele origin: germline.